The following is an entry in ClinVar:

NM_004168.4(SDHA):c.1951G>C (p.Glu651Gln)

Gene: SDHA (succinate dehydrogenase complex flavoprotein subunit A; plus strand). Cytogenetic location: 5p15.33.
Variant type: single nucleotide variant.
Coding change: c.1951G>C on transcript NM_004168.4 (MANE Select); coding-DNA position 1951, G replaced by C.
Protein change: p.Glu651Gln; replaces glutamic acid 651 with glutamine.
Molecular consequence: missense variant.
Genome position (GRCh38, 1-based): chr5:256,376, G>C. VCF-style: chr5-256376-G-C. GRCh37 (hg19) VCF-style: chr5-256491-G-C.
Other names: c.1807G>C, p.Glu603Gln (NM_001294332.2); c.1708G>C, p.Glu570Gln (NM_001330758.2); short protein forms E651Q, E603Q, E570Q.
Identifiers: ClinVar variation 548773 (VCV000548773.12), dbSNP rs375396913, ClinGen allele CA3173470.
Genomic context (GRCh38, chr5:256,376, plus strand): 5'-CTGACTCTTCTTTTCAAGGTCACTCTGGAATATAGACCCGTGATCGACAAAACTTTGAAC[G>C]AGGCTGACTGTGCCACCGTCCCGCCAGCCATTCGCTCCTACTGATGAGACAAGATGTGGT-3'
Protein context (NP_004159.2, residues 641-661): YRPVIDKTLN[Glu651Gln]ADCATVPPAI

ClinVar aggregate classification (germline): Uncertain significance. Review status: criteria provided, multiple submitters, no conflicts (2 of 4 stars). 4 submissions from 4 submitters: Uncertain significance (3). 1 of the submissions does not count toward it. Last evaluated 2025-12-28.

Conditions:
Pheochromocytoma/paraganglioma syndrome 5. Also called: Paragangliomas 5; SDHA-Related Hereditary Paraganglioma-Pheochromocytoma Syndrome. Identifiers: Orphanet 29072, MedGen C3279992, MONDO:0013602, OMIM 614165.
Hereditary cancer-predisposing syndrome. Also called: Neoplastic Syndromes, Hereditary; Tumor predisposition; Hereditary neoplastic syndrome; Hereditary Cancer Syndrome. Identifiers: Orphanet 140162, MedGen C0027672, MeSH D009386, MONDO:0015356.
Mitochondrial complex II deficiency, nuclear type 1. Also called: SUCCINATE CoQ REDUCTASE DEFICIENCY. Identifiers: Orphanet 3208, MedGen C5700310, MONDO:0100294, OMIM 252011.

gnomAD v4.1: 4 of 1,613,912 alleles (0.00025%); highest among the groups gnomAD compares: East Asian, 0.0089%; no homozygotes.

Submissions (4):

Labcorp Genetics (formerly Invitae), Labcorp
Classification: Uncertain significance for Pheochromocytoma/paraganglioma syndrome 5; Mitochondrial complex II deficiency, nuclear type 1. Last evaluated: 2025-12-28. Review status: criteria provided, single submitter. Criteria: Invitae Variant Classification Sherloc (09022015). Collection method: clinical testing. Allele origin: germline.
Comment: This sequence change replaces glutamic acid, which is acidic and polar, with glutamine, which is neutral and polar, at codon 651 of the SDHA protein (p.Glu651Gln). This variant is present in population databases (rs375396913, gnomAD 0.006%). This variant has not been reported in the literature in individuals affected with SDHA-related conditions. ClinVar contains an entry for this variant (Variation ID: 548773). Invitae Evidence Modeling of protein sequence and biophysical properties (such as structural, functional, and spatial information, amino acid conservation, physicochemical variation, residue mobility, and thermodynamic stability) indicates that this missense variant is not expected to disrupt SDHA protein function with a negative predictive value of 95%. In summary, the available evidence is currently insufficient to determine the role of this variant in disease. Therefore, it has been classified as a Variant of Uncertain Significance.

Ambry Genetics
Classification: Uncertain significance for Hereditary cancer-predisposing syndrome. Last evaluated: 2024-03-24. Review status: criteria provided, single submitter. Criteria: Ambry Variant Classification Scheme 2023. Collection method: clinical testing. Allele origin: germline.
Comment: The p.E651Q variant (also known as c.1951G>C), located in coding exon 15 of the SDHA gene, results from a G to C substitution at nucleotide position 1951. The glutamic acid at codon 651 is replaced by glutamine, an amino acid with highly similar properties. This amino acid position is conserved. In addition, the in silico prediction for this alteration is inconclusive. Since supporting evidence is limited at this time, the clinical significance of this alteration remains unclear.

Clinical Genomics Laboratory, Stanford Medicine
Classification: Uncertain significance for Mitochondrial complex II deficiency, nuclear type 1; Pheochromocytoma/paraganglioma syndrome 5. Last evaluated: 2021-09-27. Review status: criteria provided, single submitter. Criteria: ACMG Guidelines, 2015. Collection method: clinical testing. Allele origin: germline. Observed: 1 variant allele, 1 heterozygote.
Comment: The p.Glu651Gln variant in the SDHA gene has not been previously reported in association with disease. This variant has been identified in 3/18,394 East Asian chromosomes by the Genome Aggregation Database. Computational tools predict that this variant does not impact protein function; however, the accuracy of in silico algorithms is limited. These data were assessed using the ACMG/AMP variant interpretation guidelines. In summary, the significance of the p.Glu651Gln variant is uncertain. Additional information is needed to resolve the significance of this variant. [ACMG evidence codes used: PM2]

Counsyl
Classification: Uncertain significance for Pheochromocytoma/paraganglioma syndrome 5. Last evaluated: 2017-08-12. Review status: no assertion criteria provided. Collection method: clinical testing. Allele origin: unknown. Not counted in ClinVar's aggregate classification.